The following is an entry in ClinVar:

ClinVar aggregate classification (germline): Benign. Review status: criteria provided, multiple submitters, no conflicts (2 of 4 stars). 3 submissions from 3 submitters: Benign (3). Last evaluated 2025-09-17.

Conditions:
Hereditary retinoblastoma. Identifiers: Orphanet 357027, MedGen C0751483, MONDO:0018160.

Allele frequency attached by ClinVar (database versions not stated): 1000 Genomes Project 30x 0.91193; 1000 Genomes Project 0.91434; TOPMed 0.92609.
gnomAD v4.1: 896,648 of 931,782 alleles (96%); highest among the groups gnomAD compares: East Asian, 100%; 432,342 homozygotes.

Submissions (3):

Ramesar Group, Division of Human Genetics, Institute of Infectious Diseases and Molecular Medicine, UCT/MRC Genomic and Precision Medicine Research Unit, University of Cape Town
Classification: Benign for Hereditary retinoblastoma. Last evaluated: 2025-09-17. Review status: criteria provided, single submitter. Criteria: ACMG Guidelines, 2015. Collection method: research. Allele origin: germline. Affected: no.
Comment: BA1 - This variant is common in the general population (gnomAD), and is present in 79 individuals in our in-house control cohort (99%) BP5 - Variant found in a patient with a different retinal disease; RB1 is not associated with the phenotype BP6 - Reported as benign in ClinVar BP7 - A non-coding variant with no predicted effect on splicing (SpliceAI scores are negligible)

GeneDx
Classification: Benign. Last evaluated: 2018-06-23. Review status: criteria provided, single submitter. Criteria: GeneDx Variant Classification Process June 2021. Collection method: clinical testing. Allele origin: germline. Affected: yes.

Breakthrough Genomics
Classification: Benign. Review status: criteria provided, single submitter. Criteria: ACMG Guidelines, 2015. Collection method: not provided. Allele origin: germline. Inheritance: Autosomal dominant inheritance. Affected: yes.

NM_000321.3(RB1):c.1128-72G>T

Gene: RB1 (RB transcriptional corepressor 1; plus strand). Cytogenetic location: 13q14.2.
Variant type: single nucleotide variant.
Coding change: c.1128-72G>T on transcript NM_000321.3 (MANE Select); 72 bases into the intron before coding-DNA position 1128, G replaced by T.
Molecular consequence: intron variant.
Genome position (GRCh38, 1-based): chr13:48,373,333, G>T. VCF-style: chr13-48373333-G-T. GRCh37 (hg19) VCF-style: chr13-48947469-G-T.
Identifiers: ClinVar variation 1272879 (VCV001272879.3), dbSNP rs185587, ClinGen allele CA249278729.
Genomic context (GRCh38, chr13:48,373,333, plus strand): 5'-GAGGGAATGTAGAGACAAGTGGGAGGCAGTGTATTTGAAGATACATTTAACTTGGGAGAT[G>T]GAAAACATTTCATTTTTTCTTTTTTTCTCCCTTCATTGCTTAACACATTTTCCTATTTTT-3'